The following is an entry in ClinVar:

ClinVar aggregate classification (germline): Likely benign. Review status: criteria provided, multiple submitters, no conflicts (2 of 4 stars). 2 submissions from 2 submitters: Likely benign (2). Last evaluated 2025-12-29.

Conditions:
TMTC3-related disorder. Also called: TMTC3-related condition.

Allele frequency attached by ClinVar (database versions not stated): TOPMed 0.00011; gnomAD exomes 0.00013 and 0.00014; ExAC 0.00017; gnomAD 0.00017 and 0.00018.
gnomAD v4.1: 221 of 1,590,850 alleles (0.014%); highest among the groups gnomAD compares: Non-Finnish European, 0.016%; no homozygotes.

Submissions (2):

Labcorp Genetics (formerly Invitae), Labcorp
Classification: Likely benign. Last evaluated: 2025-12-29. Review status: criteria provided, single submitter. Criteria: Invitae Variant Classification Sherloc (09022015). Collection method: clinical testing. Allele origin: germline.

PreventionGenetics, part of Exact Sciences
Classification: Likely benign for TMTC3-related condition. Last evaluated: 2024-11-08. Review status: criteria provided, single submitter. Criteria: ACMG Guidelines, 2015. Collection method: clinical testing. Allele origin: germline.
Comment: This variant is classified as likely benign based on ACMG/AMP sequence variant interpretation guidelines (Richards et al. 2015 PMID: 25741868, with internal and published modifications).

NM_181783.4(TMTC3):c.570A>G (p.Gln190=)

Gene: TMTC3 (transmembrane O-mannosyltransferase targeting cadherins 3; plus strand). Cytogenetic location: 12q21.32.
Variant type: single nucleotide variant.
Coding change: c.570A>G on transcript NM_181783.4 (MANE Select); coding-DNA position 570, A replaced by G.
Protein change: p.Gln190=; no amino-acid change (glutamine 190 retained).
Molecular consequence: synonymous variant. On other transcripts: 5 prime UTR variant (1), non-coding transcript variant (1).
Genome position (GRCh38, 1-based): chr12:88,160,175, A>G. VCF-style: chr12-88160175-A-G. GRCh37 (hg19) VCF-style: chr12-88553952-A-G.
Other names: c.390A>G, p.Gln130= (NM_001366574.1); c.351A>G, p.Gln117= (NM_001366579.1); c.303A>G, p.Gln101= (NM_001366580.1); c.-124A>G (NM_001366583.1); c.570A>G (NM_181783.3).
Identifiers: ClinVar variation 1587328 (VCV001587328.9), dbSNP rs202156827, ClinGen allele CA6713084.